The following is an entry in ClinVar:

NM_001378120.1(MBD5):c.4091G>A (p.Gly1364Asp)

Gene: MBD5 (methyl-CpG binding domain protein 5; plus strand). Cytogenetic location: 2q23.1.
Variant type: single nucleotide variant.
Coding change: c.4091G>A on transcript NM_001378120.1 (MANE Select); coding-DNA position 4091, G replaced by A.
Protein change: p.Gly1364Asp; replaces glycine 1364 with aspartic acid.
Molecular consequence: missense variant.
Genome position (GRCh38, 1-based): chr2:148,489,723, G>A. VCF-style: chr2-148489723-G-A. GRCh37 (hg19) VCF-style: chr2-149247292-G-A.
Other names: c.3392G>A, p.Gly1131Asp (NM_018328.5); short protein forms G1131D, G1364D.
Identifiers: ClinVar variation 1365383 (VCV001365383.8), dbSNP rs2105126261, ClinGen allele CA348728000.

ClinVar aggregate classification (germline): Uncertain significance (1 of 4 stars; one submission).

Conditions:
Intellectual developmental disorder, autosomal dominant 1. Also called: Intellectual disability, autosomal dominant 1; MBD5 Haploinsufficiency. Identifiers: Orphanet 228402, MedGen C1969562, MONDO:0007974, OMIM 156200.

Submission:

Labcorp Genetics (formerly Invitae), Labcorp
Classification: Uncertain significance for Intellectual developmental disorder, autosomal dominant 1. Last evaluated: 2025-01-27. Review status: criteria provided, single submitter. Criteria: Invitae Variant Classification Sherloc (09022015). Collection method: clinical testing. Allele origin: germline.
Comment: This sequence change replaces glycine, which is neutral and non-polar, with aspartic acid, which is acidic and polar, at codon 1131 of the MBD5 protein (p.Gly1131Asp). This variant is not present in population databases (gnomAD no frequency). This variant has not been reported in the literature in individuals affected with MBD5-related conditions. ClinVar contains an entry for this variant (Variation ID: 1365383). Experimental studies and prediction algorithms are not available or were not evaluated, and the functional significance of this variant is currently unknown. In summary, the available evidence is currently insufficient to determine the role of this variant in disease. Therefore, it has been classified as a Variant of Uncertain Significance.